The following is an entry in ClinVar:

ClinVar aggregate classification (germline): Likely pathogenic (1 of 4 stars; one submission).

Conditions:
Cockayne syndrome type 2 (CSB). Also called: COCKAYNE SYNDROME B; Cockayne Syndrome, Type II. Identifiers: Orphanet 191, Orphanet 90322, MedGen C0751038, MONDO:0019570, OMIM 133540.

Submission:

Myriad Genetics, Inc.
Classification: Likely pathogenic for Cockayne syndrome type 2. Last evaluated: 2021-12-31. Review status: criteria provided, single submitter. Criteria: Myriad Women's Health Autosomal Recessive and X-Linked Classification Criteria (2021). Collection method: clinical testing. Allele origin: unknown.
Comment: NM_000124.2(ERCC6):c.1467_1468delTG(S489Rfs*3) is expected to be pathogenic in the context of ERCC6-related disorders. This variant is predicted to lead to an abnormal or absent protein product due to the creation of a premature termination codon in ERCC6, a gene where loss-of-function variants are known to be pathogenic. Please note: this variant was assessed in the context of healthy population screening.

NM_000124.4(ERCC6):c.1467_1468del (p.Ser489fs)

Gene: ERCC6 (ERCC excision repair 6, chromatin remodeling factor; minus strand). Cytogenetic location: 10q11.23.
Variant type: Deletion.
Coding change: c.1467_1468del on transcript NM_000124.4 (MANE Select); coding-DNA positions 1467 to 1468, 2 bases deleted (TG; older notation c.1467_1468delTG).
Protein change: p.Ser489fs; shifts the reading frame from serine 489.
Molecular consequence: frameshift variant.
Genome position (GRCh38, 1-based): chr10:49,505,942-49,505,943, CA deleted on the plus strand (TG on the coding strand, the reverse complement: ERCC6 is on the minus strand); deleting any 2 consecutive bases within chr10:49,505,942-49,505,944 gives the same sequence; the c. name uses the placement nearest the transcript's 3' end. VCF-style (leftmost placement, unchanged base first): chr10-49505941-TCA-T. GRCh37 (hg19) VCF-style: chr10-50713987-TCA-T.
Other names: c.1467_1468del, p.Ser489fs (NM_001346440.2); short protein forms S489fs.
Identifiers: ClinVar variation 1726718 (VCV001726718.2), dbSNP rs2496064359, ClinGen allele CA2580081552.
Genomic context (GRCh38, chr10:49,505,941, plus strand): 5'-TACTTAAAAAGCTTTTTGAACAGAAAACCTGGCACTTTAAAACCTTCGTCAAATTCAGCA[TCA>T]CTTTCCTCAGAATCGTCCTCCAGCTTCAGACGTTTCTCTTTGTCCTGCAGTCTCAGTTTA-3'